The following is an entry in ClinVar:

NM_017613.4(DONSON):c.85C>T (p.Arg29Cys)

Gene: DONSON (DNA replication fork stabilization factor DONSON; minus strand). Cytogenetic location: 21q22.11.
Variant type: single nucleotide variant.
Coding change: c.85C>T on transcript NM_017613.4 (MANE Select); coding-DNA position 85, C replaced by T.
Protein change: p.Arg29Cys; replaces arginine 29 with cysteine.
Molecular consequence: missense variant.
Genome position (GRCh38, 1-based): chr21:33,588,557, G>A on the plus strand (C>T on the coding strand, the complement: DONSON is on the minus strand). VCF-style: chr21-33588557-G-A. GRCh37 (hg19) VCF-style: chr21-34960863-G-A.
Other names: c.85C>T (NM_017613.2); short protein forms R29C.
Identifiers: ClinVar variation 1907446 (VCV001907446.6), dbSNP rs1011061844, ClinGen allele CA320125026.

ClinVar aggregate classification (germline): Uncertain significance. Review status: criteria provided, multiple submitters, no conflicts (2 of 4 stars). 2 submissions from 2 submitters: Uncertain significance (2). Last evaluated 2024-12-02.

Conditions:
Inborn genetic diseases. Identifiers: MedGen C0950123, MeSH D030342.

Allele frequency attached by ClinVar (database versions not stated): gnomAD 0.00003.

Submissions (2):

Labcorp Genetics (formerly Invitae), Labcorp
Classification: Uncertain significance. Last evaluated: 2024-12-02. Review status: criteria provided, single submitter. Criteria: Invitae Variant Classification Sherloc (09022015). Collection method: clinical testing. Allele origin: germline.
Comment: This sequence change replaces arginine, which is basic and polar, with cysteine, which is neutral and slightly polar, at codon 29 of the DONSON protein (p.Arg29Cys). This variant is present in population databases (no rsID available, gnomAD 0.006%). This variant has not been reported in the literature in individuals affected with DONSON-related conditions. ClinVar contains an entry for this variant (Variation ID: 1907446). Invitae Evidence Modeling of protein sequence and biophysical properties (such as structural, functional, and spatial information, amino acid conservation, physicochemical variation, residue mobility, and thermodynamic stability) indicates that this missense variant is not expected to disrupt DONSON protein function with a negative predictive value of 80%. In summary, the available evidence is currently insufficient to determine the role of this variant in disease. Therefore, it has been classified as a Variant of Uncertain Significance.

Ambry Genetics
Classification: Uncertain significance for Inborn genetic diseases. Last evaluated: 2023-04-07. Review status: criteria provided, single submitter. Criteria: Ambry Variant Classification Scheme 2023. Collection method: clinical testing. Allele origin: germline.